The following is an entry in ClinVar:

NM_016284.5(CNOT1):c.6970A>C (p.Ile2324Leu)

Genes: CNOT1 (CCR4-NOT transcription complex subunit 1; minus strand), SETD6 (SET domain containing 6, protein lysine methyltransferase; plus strand). Cytogenetic location: 16q21.
Variant type: single nucleotide variant.
Coding change: c.6970A>C on transcript NM_016284.5 (MANE Select); coding-DNA position 6970, A replaced by C.
Protein change: p.Ile2324Leu; replaces isoleucine 2324 with leucine.
Molecular consequence: missense variant. On other transcripts: non-coding transcript variant (1), 3 prime UTR variant (1).
Genome position (GRCh38, 1-based): chr16:58,521,265, T>G on the plus strand (A>C on the coding strand, the complement: CNOT1 is on the minus strand). VCF-style: chr16-58521265-T-G. GRCh37 (hg19) VCF-style: chr16-58555169-T-G.
Other names: c.6955A>C, p.Ile2319Leu (NM_001265612.2); c.*2236T>G (NM_001160305.4); short protein forms I2319L, I2324L.
Identifiers: ClinVar variation 2505815 (VCV002505815.1), dbSNP rs2543786983, ClinGen allele CA396160255.

ClinVar aggregate classification (germline): Likely pathogenic (1 of 4 stars; one submission).

Submission:

GeneDx
Classification: Likely pathogenic. Last evaluated: 2022-12-13. Review status: criteria provided, single submitter. Criteria: GeneDx Variant Classification Process June 2021. Collection method: clinical testing. Allele origin: germline. Affected: yes.
Comment: Not observed at significant frequency in large population cohorts (gnomAD); In silico analysis supports that this missense variant does not alter protein structure/function; Has not been previously published as pathogenic or benign to our knowledge